The following is an entry in ClinVar:

NM_006231.4(POLE):c.3422T>C (p.Ile1141Thr)

Gene: POLE (DNA polymerase epsilon, catalytic subunit; minus strand). Cytogenetic location: 12q24.33.
Variant type: single nucleotide variant.
Coding change: c.3422T>C on transcript NM_006231.4 (MANE Select); coding-DNA position 3422, T replaced by C.
Protein change: p.Ile1141Thr; replaces isoleucine 1141 with threonine.
Molecular consequence: missense variant.
Genome position (GRCh38, 1-based): chr12:132,657,386, A>G on the plus strand (T>C on the coding strand, the complement: POLE is on the minus strand). VCF-style: chr12-132657386-A-G. GRCh37 (hg19) VCF-style: chr12-133233972-A-G.
Other names: c.3422T>C (NM_006231.2); short protein forms I1141T.
Identifiers: ClinVar variation 2128763 (VCV002128763.5), dbSNP rs2542002189, ClinGen allele CA387389077.

ClinVar aggregate classification (germline): Uncertain significance. Review status: criteria provided, multiple submitters, no conflicts (2 of 4 stars). 2 submissions from 2 submitters: Uncertain significance (2). Last evaluated 2024-09-16.

Conditions:
Hereditary cancer-predisposing syndrome. Also called: Hereditary neoplastic syndrome; Tumor predisposition; Hereditary Cancer Syndrome; Neoplastic Syndromes, Hereditary. Identifiers: Orphanet 140162, MedGen C0027672, MeSH D009386, MONDO:0015356.

Submissions (2):

Ambry Genetics
Classification: Uncertain significance for Hereditary cancer-predisposing syndrome. Last evaluated: 2024-09-16. Review status: criteria provided, single submitter. Criteria: Ambry Variant Classification Scheme 2023. Collection method: clinical testing. Allele origin: germline.
Comment: The p.I1141T variant (also known as c.3422T>C), located in coding exon 28 of the POLE gene, results from a T to C substitution at nucleotide position 3422. The isoleucine at codon 1141 is replaced by threonine, an amino acid with similar properties. This amino acid position is conserved. In addition, this alteration is predicted to be deleterious by in silico analysis. Based on the available evidence, the clinical significance of this variant remains unclear.

Labcorp Genetics (formerly Invitae), Labcorp
Classification: Uncertain significance. Last evaluated: 2024-05-06. Review status: criteria provided, single submitter. Criteria: Invitae Variant Classification Sherloc (09022015). Collection method: clinical testing. Allele origin: germline.
Comment: This sequence change replaces isoleucine, which is neutral and non-polar, with threonine, which is neutral and polar, at codon 1141 of the POLE protein (p.Ile1141Thr). This variant is not present in population databases (gnomAD no frequency). This variant has not been reported in the literature in individuals affected with POLE-related conditions. ClinVar contains an entry for this variant (Variation ID: 2128763). Advanced modeling of protein sequence and biophysical properties (such as structural, functional, and spatial information, amino acid conservation, physicochemical variation, residue mobility, and thermodynamic stability) performed at Invitae indicates that this missense variant is expected to disrupt POLE protein function with a positive predictive value of 80%. In summary, the available evidence is currently insufficient to determine the role of this variant in disease. Therefore, it has been classified as a Variant of Uncertain Significance.